The following is an entry in ClinVar:

NM_006080.3(SEMA3A):c.1560C>T (p.Tyr520=)

Gene: SEMA3A (semaphorin 3A; minus strand). Cytogenetic location: 7q21.11.
Variant type: single nucleotide variant.
Coding change: c.1560C>T on transcript NM_006080.3 (MANE Select); coding-DNA position 1560, C replaced by T.
Protein change: p.Tyr520=; no amino-acid change (tyrosine 520 retained).
Molecular consequence: synonymous variant.
Genome position (GRCh38, 1-based): chr7:83,981,413, G>A on the plus strand (C>T on the coding strand, the complement: SEMA3A is on the minus strand). VCF-style: chr7-83981413-G-A. GRCh37 (hg19) VCF-style: chr7-83610729-G-A.
Identifiers: ClinVar variation 3036914 (VCV003036914.2), dbSNP rs771077834, ClinGen allele CA4322675.

ClinVar aggregate classification (germline): Likely benign (0 of 4 stars; one submission).

Conditions:
SEMA3A-related disorder. Also called: SEMA3A-related condition.

Allele frequency attached by ClinVar (database versions not stated): gnomAD exomes 0.00004; ExAC 0.00006; gnomAD 0.00014; TOPMed 0.00017.
gnomAD v4.1: 74 of 1,613,592 alleles (0.0046%); highest among the groups gnomAD compares: African/African-American, 0.059%; no homozygotes.

Submission:

PreventionGenetics, part of Exact Sciences
Classification: Likely benign for SEMA3A-related condition. Last evaluated: 2021-08-25. Review status: no assertion criteria provided. Collection method: clinical testing. Allele origin: germline.
Comment: This variant is classified as likely benign based on ACMG/AMP sequence variant interpretation guidelines (Richards et al. 2015 PMID: 25741868, with internal and published modifications).